The following continues an entry in ClinVar:

NM_000059.4(BRCA2):c.4588A>T (p.Lys1530Ter)

Gene: BRCA2. ClinVar aggregate classification (germline): Pathogenic. Pathogenic (1).

Submissions 10 to 20 of 20:

GeneDx
Classification: Pathogenic. Last evaluated: 2022-01-19. Review status: criteria provided, single submitter. Criteria: GeneDx Variant Classification Process June 2021. Collection method: clinical testing. Allele origin: germline. Affected: yes. Not counted in ClinVar's aggregate classification.
Comment: Nonsense variant predicted to result in protein truncation or nonsense mediated decay in a gene for which loss-of-function is a known mechanism of disease; Observed in individuals with breast cancer (Couch 2015, Susswein 2016); Truncating variants in this gene are considered pathogenic by a well-established clinical consortium and/or database; Not observed at significant frequency in large population cohorts (gnomAD); Also known as 4816A>T; This variant is associated with the following publications: (PMID: 25452441, 26681312, 28152038, 29446198, 31640893, 30787465)

Institute for Clinical Genetics, University Hospital TU Dresden, University Hospital TU Dresden
Classification: Pathogenic. Last evaluated: 2021-11-03. Review status: criteria provided, single submitter. Criteria: ACMG Guidelines, 2015. Collection method: clinical testing. Allele origin: germline. Not counted in ClinVar's aggregate classification.

Blueprint Genetics
Classification: Pathogenic for BRCA2-related disorders. Last evaluated: 2021-05-19. Review status: criteria provided, single submitter. Criteria: ACMG Guidelines, 2015. Collection method: clinical testing. Allele origin: germline. Affected: yes. Observed: 1 variant allele. Not counted in ClinVar's aggregate classification.

Johns Hopkins Genomics, Johns Hopkins University
Classification: Pathogenic for Breast-ovarian cancer, familial, susceptibility to, 2. Last evaluated: 2020-12-02. Review status: criteria provided, single submitter. Criteria: ACMG Guidelines, 2015. Collection method: clinical testing. Allele origin: germline. Not counted in ClinVar's aggregate classification.
Comment: This nonsense variant has been reported in multiple unrelated individuals affected with hereditary breast and ovarian cancer. It results in a premature stop codon in exon 11 likely leading to nonsense-mediated decay and lack of protein production. This variant is absent in a large population database and has an entry in ClinVar. We consider c.4588A>T to be pathogenic.

Women's Health and Genetics/Laboratory Corporation of America, LabCorp
Classification: Pathogenic for Hereditary breast and ovarian cancer syndrome. Last evaluated: 2020-10-12. Review status: criteria provided, single submitter. Criteria: LabCorp Variant Classification Summary - May 2015. Collection method: clinical testing. Allele origin: germline. Not counted in ClinVar's aggregate classification.
Comment: Variant summary: BRCA2 c.4588A>T (p.Lys1530X) results in a premature termination codon, predicted to cause a truncation of the encoded protein or absence of the protein due to nonsense mediated decay, which are commonly known mechanisms for disease. Truncations downstream of this position have been classified as pathogenic by our laboratory. The variant was absent in 250310 control chromosomes (gnomAD). c.4588A>T has been reported in the literature in multiple individuals affected with Hereditary Breast And Ovarian Cancer Syndrome or prostate cancer (Couch_2015, Rebbeck_2018, Reimers_2019). These data indicate that the variant is very likely to be associated with disease. To our knowledge, no experimental evidence demonstrating an impact on protein function has been reported. Nine ClinVar submitters, including one expert panel (ENIGMA), (evaluation after 2014) cite the variant as pathogenic (8x) and likely pathogenic (1x). Based on the evidence outlined above, the variant was classified as pathogenic.

Laboratory for Molecular Medicine, Mass General Brigham Personalized Medicine
Classification: Pathogenic for Hereditary breast ovarian cancer syndrome. Last evaluated: 2016-08-15. Review status: criteria provided, single submitter. Criteria: LMM Criteria. Collection method: clinical testing. Allele origin: germline. Inheritance: Autosomal dominant inheritance. Observed: 1 variant allele. Not counted in ClinVar's aggregate classification.
Comment: The p.Lys1530X variant in BRCA2 has been reported in at least 9 individuals with BRCA2-associated cancers (Susswein 2015, Couch 2015, Breast Cancer Information Core (BIC) database), and was absent from large population studies. This nonsens e variant leads to a premature termination codon at position 1530, which is pred icted to lead to a truncated or absent protein. Heterozygous loss of function of the BRCA2 gene is an established disease mechanism in hereditary breast and ova rian cancer (HBOC). In summary, this variant meets our criteria to be classified as pathogenic for HBOC in an autosomal dominant manner based upon the predicted impact to the protein.

Consortium of Investigators of Modifiers of BRCA1/2 (CIMBA), c/o University of Cambridge
Classification: Pathogenic for Breast-ovarian cancer, familial, susceptibility to, 2. Last evaluated: 2015-10-02. Review status: criteria provided, single submitter. Criteria: CIMBA Mutation Classification guidelines May 2016. Collection method: clinical testing. Allele origin: germline. Not counted in ClinVar's aggregate classification.

Counsyl
Classification: Likely pathogenic for Breast-ovarian cancer, familial, susceptibility to, 2. Last evaluated: 2016-01-19. Review status: no assertion criteria provided. Collection method: clinical testing. Allele origin: unknown. Not counted in ClinVar's aggregate classification.

Research Molecular Genetics Laboratory, Women's College Hospital, University of Toronto
Classification: Pathogenic for Hereditary breast ovarian cancer syndrome. Last evaluated: 2014-01-31. Review status: no assertion criteria provided. Collection method: research. Allele origin: germline. Affected: yes. Study: The Canadian Open Genetics Repository (COGR). Not counted in ClinVar's aggregate classification.

Sharing Clinical Reports Project (SCRP)
Classification: Pathogenic for Breast-ovarian cancer, familial 2. Last evaluated: 2012-01-30. Review status: no assertion criteria provided. Collection method: clinical testing. Allele origin: germline. Not counted in ClinVar's aggregate classification.

Breast Cancer Information Core (BIC) (BRCA2)
Classification: Pathogenic for Breast-ovarian cancer, familial 2. Last evaluated: 2004-02-20. Review status: no assertion criteria provided. Collection method: clinical testing. Allele origin: germline. Affected: yes. Observed: 6 variant alleles. Not counted in ClinVar's aggregate classification.

Literature cited by the submitters: PubMed 20104584 (cited by Labcorp Genetics (formerly Invitae), Labcorp); PubMed 25452441 (cited by 8 submitters); PubMed 26681312 (cited by 6 submitters); PubMed 29446198 (cited by 6 submitters); PubMed 31640893 (cited by 3 submitters); PubMed 32906206 (cited by Quest Diagnostics Nichols Institute San Juan Capistrano); PubMed 28888541 (cited by Quest Diagnostics Nichols Institute San Juan Capistrano).